The following is an entry in ClinVar:

NM_153240.5(NPHP3):c.2169G>A (p.Ala723=)

Genes: NPHP3 (nephrocystin 3; minus strand), NPHP3-ACAD11 (NPHP3-ACAD11 readthrough (NMD candidate); minus strand). Cytogenetic location: 3q22.1.
Variant type: single nucleotide variant.
Coding change: c.2169G>A on transcript NM_153240.5 (MANE Select); coding-DNA position 2169, G replaced by A.
Protein change: p.Ala723=; no amino-acid change (alanine 723 retained).
Molecular consequence: synonymous variant. On other transcripts: non-coding transcript variant (1).
Genome position (GRCh38, 1-based): chr3:132,696,733, C>T on the plus strand (G>A on the coding strand, the complement: NPHP3 is on the minus strand). VCF-style: chr3-132696733-C-T. GRCh37 (hg19) VCF-style: chr3-132415577-C-T.
Identifiers: ClinVar variation 343385 (VCV000343385.16), dbSNP rs563403703, ClinGen allele CA2622099.

ClinVar aggregate classification (germline): Conflicting classifications of pathogenicity. Review status: criteria provided, conflicting classifications (1 of 4 stars). 6 submissions from 4 submitters: Uncertain significance (3); Likely benign (2). 1 of the submissions does not count toward it. Last evaluated 2025-12-30.

Conditions:
Renal-hepatic-pancreatic dysplasia 1 (RHPD1). Identifiers: MedGen C3715199, MONDO:0008833, OMIM 208540.
NPHP3-related Meckel-like syndrome. Also called: GOLDSTON SYNDROME; Meckel syndrome type 7. Identifiers: Orphanet 3032, MedGen C2673885, MONDO:0009966, OMIM 267010.
Nephronophthisis 3 (NPHP3). Also called: Adolescent nephronophthisis. Identifiers: Orphanet 655, MedGen C1858392, MONDO:0011456, OMIM 604387.
NPHP3-related disorder. Also called: NPHP3-related condition; NPHP3-related disorders. Identifiers: MedGen CN379163.
Nephronophthisis. Also called: Juvenile Nephronophthisis. Identifiers: Orphanet 655, MedGen C0687120, MONDO:0019005, HP:0000090.

Allele frequency attached by ClinVar (database versions not stated): gnomAD exomes 0.00003 and 0.00010; gnomAD 0.00004; TOPMed 0.00004; ExAC 0.00006; 1000 Genomes Project 30x 0.00016; 1000 Genomes Project 0.00020.
gnomAD v4.1: 52 of 1,613,618 alleles (0.0032%); highest among the groups gnomAD compares: Admixed American, 0.022%; no homozygotes.

Submissions (6):

Labcorp Genetics (formerly Invitae), Labcorp
Classification: Likely benign for Nephronophthisis. Last evaluated: 2025-12-30. Review status: criteria provided, single submitter. Criteria: Invitae Variant Classification Sherloc (09022015). Collection method: clinical testing. Allele origin: germline.

Blueprint Genetics
Classification: Likely benign. Last evaluated: 2023-11-15. Review status: criteria provided, single submitter. Criteria: ACMG Guidelines, 2015. Collection method: clinical testing. Allele origin: germline.

Illumina Laboratory Services, Illumina
Classification: Uncertain significance for Renal-hepatic-pancreatic dysplasia 1. Last evaluated: 2018-01-12. Review status: criteria provided, single submitter. Criteria: ICSL Variant Classification Criteria 13 December 2019. Collection method: clinical testing. Allele origin: germline.

Illumina Laboratory Services, Illumina
Classification: Uncertain significance for Nephronophthisis 3. Last evaluated: 2018-01-12. Review status: criteria provided, single submitter. Criteria: ICSL Variant Classification Criteria 13 December 2019. Collection method: clinical testing. Allele origin: germline.

Illumina Laboratory Services, Illumina
Classification: Uncertain significance for NPHP3-related Meckel-like syndrome. Last evaluated: 2018-01-12. Review status: criteria provided, single submitter. Criteria: ICSL Variant Classification Criteria 13 December 2019. Collection method: clinical testing. Allele origin: germline.

PreventionGenetics, part of Exact Sciences
Classification: Likely benign for NPHP3-related condition. Last evaluated: 2023-07-07. Review status: no assertion criteria provided. Collection method: clinical testing. Allele origin: germline. Not counted in ClinVar's aggregate classification.
Comment: This variant is classified as likely benign based on ACMG/AMP sequence variant interpretation guidelines (Richards et al. 2015 PMID: 25741868, with internal and published modifications).